The following is an entry in ClinVar:

NM_000260.4(MYO7A):c.3924G>A (p.Lys1308=)

Gene: MYO7A (myosin VIIA; plus strand). Cytogenetic location: 11q13.5.
Variant type: single nucleotide variant.
Coding change: c.3924G>A on transcript NM_000260.4 (MANE Select); coding-DNA position 3924, G replaced by A.
Protein change: p.Lys1308=; no amino-acid change (lysine 1308 retained).
Molecular consequence: synonymous variant.
Genome position (GRCh38, 1-based): chr11:77,190,870, G>A. VCF-style: chr11-77190870-G-A. GRCh37 (hg19) VCF-style: chr11-76901915-G-A.
Other names: c.3924G>A, p.Lys1308= (NM_001127180.2); c.3891G>A, p.Lys1297= (NM_001369365.1).
Identifiers: ClinVar variation 557465 (VCV000557465.4), dbSNP rs1349274983, ClinGen allele CA475796165.

ClinVar aggregate classification (germline): Uncertain significance. Review status: criteria provided, multiple submitters, no conflicts (2 of 4 stars). 3 submissions from 3 submitters: Uncertain significance (2). 1 of the submissions does not count toward it. Last evaluated 2025-05-14.

Conditions:
Autosomal recessive nonsyndromic hearing loss 2. Also called: DEAFNESS, AUTOSOMAL RECESSIVE 2; NEUROSENSORY NONSYNDROMIC RECESSIVE DEAFNESS 2. Identifiers: Orphanet 90636, MedGen C1838701, MONDO:0010807, OMIM 600060.
Usher syndrome type 1 (USH1). Also called: RETINITIS PIGMENTOSA AND CONGENITAL DEAFNESS. Identifiers: Orphanet 231169, Orphanet 886, MedGen C1568247, MONDO:0010168, OMIM 276900.

Submissions (3):

Women's Health and Genetics/Laboratory Corporation of America, LabCorp
Classification: Uncertain significance. Last evaluated: 2025-05-14. Review status: criteria provided, single submitter. Criteria: LabCorp Variant Classification Summary - May 2015. Collection method: clinical testing. Allele origin: germline.
Comment: Variant summary: MYO7A c.3924G>A (p.Lys1308Lys) alters a conserved nucleotide located close to a canonical splice site and therefore could affect mRNA splicing, leading to a significantly altered protein sequence. Several computational tools predict a significant impact on normal splicing: Four predict the variant weakens a 5' donor site. However, these predictions have yet to be confirmed by functional studies. The frequency data for this variant in gnomAD is considered unreliable, as metrics indicate poor data quality at this position. c.3924G>A has been observed in at least one compound heterozygous individual affected with Usher Syndrome or in one individual without reported genotype affected with an inherited retinal disorder (e.g. Bonnet_2016, Karali_2022, Testa_2024). These data do not allow any conclusion about variant significance. To our knowledge, no experimental evidence demonstrating an impact on protein function has been reported. The following publications have been ascertained in the context of this evaluation (PMID: 27460420, 36460718, 38884554). ClinVar contains an entry for this variant (Variation ID: 557465). Based on the evidence outlined above, the variant was classified as uncertain significance.

GeneDx
Classification: Uncertain significance. Last evaluated: 2024-07-23. Review status: criteria provided, single submitter. Criteria: GeneDx Variant Classification Process June 2021. Collection method: clinical testing. Allele origin: germline. Affected: yes.
Comment: Not observed at significant frequency in large population cohorts (gnomAD); In silico analysis suggests this variant may impact gene splicing. In the absence of RNA/functional studies, the actual effect of this sequence change is unknown.; This variant is associated with the following publications: (PMID: 36460718, 27460420)

Counsyl
Classification: Uncertain significance for Usher syndrome type 1; Autosomal recessive nonsyndromic hearing loss 2. Last evaluated: 2018-03-26. Review status: no assertion criteria provided. Collection method: clinical testing. Allele origin: unknown. Not counted in ClinVar's aggregate classification.

Literature cited by the submitters: PubMed 27460420 (cited by Women's Health and Genetics/Laboratory Corporation of America, LabCorp and Counsyl); PubMed 36460718 (cited by Women's Health and Genetics/Laboratory Corporation of America, LabCorp); PubMed 38884554 (cited by Women's Health and Genetics/Laboratory Corporation of America, LabCorp).